The following is an entry in ClinVar:

NM_000238.4(KCNH2):c.1245G>C (p.Leu415=)

Gene: KCNH2 (potassium voltage-gated channel subfamily H member 2; minus strand). Cytogenetic location: 7q36.1.
Variant type: single nucleotide variant.
Coding change: c.1245G>C on transcript NM_000238.4 (MANE Select); coding-DNA position 1245, G replaced by C.
Protein change: p.Leu415=; no amino-acid change (leucine 415 retained).
Molecular consequence: synonymous variant. On other transcripts: non-coding transcript variant (2).
Genome position (GRCh38, 1-based): chr7:150,952,737, C>G on the plus strand (G>C on the coding strand, the complement: KCNH2 is on the minus strand). VCF-style: chr7-150952737-C-G. GRCh37 (hg19) VCF-style: chr7-150649825-C-G.
Other names: c.225G>C, p.Leu75= (NM_001204798.2, NM_172057.3); c.957G>C, p.Leu319= (NM_001406753.1, NM_001406756.1); c.1068G>C, p.Leu356= (NM_001406755.1); c.945G>C, p.Leu315= (NM_001406757.1); c.1245G>C, p.Leu415= (NM_172056.3).
Identifiers: ClinVar variation 1587889 (VCV001587889.10), dbSNP rs1411817701, ClinGen allele CA458645711.
Genomic context (GRCh38, chr7:150,952,737, plus strand): 5'-CTCCTTCAGCAGGAAGGCAGCCGAGTAGGGTGTGAAGACAGCCGTGTAGATGACCAGCAG[C>G]AGGATGAGCCAGTCCCACACGGCCTTGAAGGGGCTGTAATGCAGGATGGTCCAGCGGTGG-3'
Protein context (NP_000229.1, residues 405-425): PFKAVWDWLI[Leu415=]LLVIYTAVFT

ClinVar aggregate classification (germline): Likely benign. Review status: criteria provided, multiple submitters, no conflicts (2 of 4 stars). 3 submissions from 3 submitters: Likely benign (3). Last evaluated 2025-11-18.

Conditions:
Cardiac arrhythmia. Also called: Arrhythmia; Cardiac rhythm disease. Identifiers: MedGen C0003811, MONDO:0007263, HP:0011675.
Long QT syndrome (LQTS). Identifiers: MedGen C0023976, MeSH D008133, MONDO:0002442. Disease mechanism: loss of function. Inheritance: Various modes of inheritance.

Allele frequency attached by ClinVar (database versions not stated): TOPMed 0.00001; gnomAD exomes below 0.00001.

Submissions (3):

Labcorp Genetics (formerly Invitae), Labcorp
Classification: Likely benign for Long QT syndrome. Last evaluated: 2025-11-18. Review status: criteria provided, single submitter. Criteria: Invitae Variant Classification Sherloc (09022015). Collection method: clinical testing. Allele origin: germline.

All of Us Research Program, National Institutes of Health
Classification: Likely benign for Long QT syndrome. Last evaluated: 2023-11-28. Review status: criteria provided, single submitter. Criteria: ACMG Guidelines, 2015. Collection method: clinical testing. Allele origin: germline. Inheritance: Autosomal dominant inheritance. Observed: 5 variant alleles, 5 heterozygotes.
Comment: This study involves interpretation of variants in research participants for the purpose of population health screening. Participant phenotype was not available at the time of variant classification. Additional details can be found in publication PMID: 35346344, PMCID: PMC8962531

Color Diagnostics, LLC DBA Color Health
Classification: Likely benign for Cardiac arrhythmia. Last evaluated: 2022-11-06. Review status: criteria provided, single submitter. Criteria: ACMG Guidelines, 2015. Collection method: clinical testing. Allele origin: germline.